The following is an entry in ClinVar:

NM_000492.4(CFTR):c.1674A>G (p.Leu558=)

Genes: CFTR (CF transmembrane conductance regulator; plus strand), LOC111674475 (CFTR intron 11 enhancer; plus strand). Cytogenetic location: 7q31.2.
Variant type: single nucleotide variant.
Coding change: c.1674A>G on transcript NM_000492.4 (MANE Select); coding-DNA position 1674, A replaced by G.
Protein change: p.Leu558=; no amino-acid change (leucine 558 retained).
Molecular consequence: synonymous variant.
Genome position (GRCh38, 1-based): chr7:117,587,828, A>G. VCF-style: chr7-117587828-A-G. GRCh37 (hg19) VCF-style: chr7-117227882-A-G.
Other names: c.1674A>G (NM_000492.3).
Identifiers: ClinVar variation 1110814 (VCV001110814.14), dbSNP rs770896561, ClinGen allele CA4451053.

ClinVar aggregate classification (germline): Likely benign. Review status: criteria provided, multiple submitters, no conflicts (2 of 4 stars). 5 submissions from 5 submitters: Likely benign (4). 1 of the submissions does not count toward it. Last evaluated 2025-07-21.

Conditions:
CFTR-related disorder (CFTR-RD). Also called: CFTR-related condition; CFTR-related disorders. Identifiers: MedGen C5924204, MONDO:7770004.
Cystic fibrosis (CF). Also called: MUCOVISCIDOSIS. Identifiers: Orphanet 586, MedGen C0010674, MONDO:0009061, OMIM 219700. Disease mechanism: loss of function.

Allele frequency attached by ClinVar (database versions not stated): gnomAD exomes below 0.00001 and 0.00001; gnomAD 0.00001; TOPMed 0.00001; ExAC 0.00002.
gnomAD v4.1: 5 of 1,576,068 alleles (0.00032%); highest among the groups gnomAD compares: Admixed American, 0.005%; no homozygotes.

Submissions (5):

ARUP Laboratories, Molecular Genetics and Genomics, ARUP Laboratories
Classification: Likely benign. Last evaluated: 2025-07-21. Review status: criteria provided, single submitter. Criteria: ARUP Molecular Germline Variant Investigation Process 2024. Collection method: clinical testing. Allele origin: germline.

Labcorp Genetics (formerly Invitae), Labcorp
Classification: Likely benign for Cystic fibrosis. Last evaluated: 2025-07-10. Review status: criteria provided, single submitter. Criteria: Invitae Variant Classification Sherloc (09022015). Collection method: clinical testing. Allele origin: germline.

PreventionGenetics, part of Exact Sciences
Classification: Likely benign for CFTR-related condition. Last evaluated: 2025-05-20. Review status: criteria provided, single submitter. Criteria: ACMG Guidelines, 2015. Collection method: clinical testing. Allele origin: germline.
Comment: This variant is classified as likely benign based on ACMG/AMP sequence variant interpretation guidelines (Richards et al. 2015 PMID: 25741868, with internal and published modifications).

Ambry Genetics
Classification: Likely benign for Cystic fibrosis. Last evaluated: 2022-03-08. Review status: criteria provided, single submitter. Criteria: Ambry Variant Classification Scheme 2023. Collection method: clinical testing. Allele origin: germline.

Natera, Inc.
Classification: Likely benign for CFTR-related disorders. Last evaluated: 2018-06-25. Review status: no assertion criteria provided. Collection method: clinical testing. Allele origin: germline. Not counted in ClinVar's aggregate classification.